The following is an entry in ClinVar:

ClinVar aggregate classification (germline): Uncertain significance. Review status: criteria provided, multiple submitters, no conflicts (2 of 4 stars). 2 submissions from 2 submitters: Uncertain significance (2). Last evaluated 2024-08-20.

Conditions:
Severe early-childhood-onset retinal dystrophy (STGD1). Also called: STGD; Stargardt macular dystrophy; Juvenile onset macular degeneration; Stargardt disease 1; MACULAR DYSTROPHY WITH FLECKS, TYPE 1. Identifiers: Orphanet 364055, Orphanet 827, MedGen C1855465, MeSH D000080362, MONDO:0009549, OMIM 248200.
Retinitis pigmentosa 19 (RP19). Also called: ABCA4-Related Retinitis Pigmentosa. Identifiers: Orphanet 791, MedGen C1866422, MONDO:0011137, OMIM 601718.
Cone-rod dystrophy 3 (CORD3). Identifiers: Orphanet 1872, MedGen C1858806, MONDO:0011395, OMIM 604116.
Inborn genetic diseases. Identifiers: MedGen C0950123, MeSH D030342.

Submissions (2):

Ambry Genetics
Classification: Uncertain significance for Inborn genetic diseases. Last evaluated: 2024-08-20. Review status: criteria provided, single submitter. Criteria: Ambry Variant Classification Scheme 2023. Collection method: clinical testing. Allele origin: germline.

Blueprint Genetics
Classification: Uncertain significance. Last evaluated: 2023-01-10. Review status: criteria provided, single submitter. Criteria: ACMG Guidelines, 2015. Collection method: clinical testing. Allele origin: germline.

NM_000350.3(ABCA4):c.2472C>G (p.Ile824Met)

Gene: ABCA4 (ATP binding cassette subfamily A member 4; minus strand). Cytogenetic location: 1p22.1.
Variant type: single nucleotide variant.
Coding change: c.2472C>G on transcript NM_000350.3 (MANE Select); coding-DNA position 2472, C replaced by G.
Protein change: p.Ile824Met; replaces isoleucine 824 with methionine.
Molecular consequence: missense variant.
Genome position (GRCh38, 1-based): chr1:94,055,226, G>C on the plus strand (C>G on the coding strand, the complement: ABCA4 is on the minus strand). VCF-style: chr1-94055226-G-C. GRCh37 (hg19) VCF-style: chr1-94520782-G-C.
Other names: c.2250C>G, p.Ile750Met (NM_001425324.1); short protein forms I750M, I824M.
Identifiers: ClinVar variation 3516194 (VCV003516194.3).